The following is an entry in ClinVar:

ClinVar aggregate classification (germline): Uncertain significance. Review status: criteria provided, multiple submitters, no conflicts (2 of 4 stars). 2 submissions from 2 submitters: Uncertain significance (2). Last evaluated 2025-07-02.

Conditions:
Inborn genetic diseases. Identifiers: MedGen C0950123, MeSH D030342.
Combined immunodeficiency due to DOCK8 deficiency (HIES2). Also called: HIES autosomal recessive; HYPER-IgE SYNDROME 2, AUTOSOMAL RECESSIVE, WITH RECURRENT INFECTIONS; DOCK8 Deficiency; Hyper-IgE recurrent infection syndrome, autosomal recessive; HYPER-IgE RECURRENT INFECTION SYNDROME 2, AUTOSOMAL RECESSIVE. Identifiers: Orphanet 217390, MedGen C4722305, MONDO:0009478, OMIM 243700.

Submissions (2):

Ambry Genetics
Classification: Uncertain significance for Inborn genetic diseases. Last evaluated: 2025-07-02. Review status: criteria provided, single submitter. Criteria: Ambry Variant Classification Scheme 2023. Collection method: clinical testing. Allele origin: germline.

Labcorp Genetics (formerly Invitae), Labcorp
Classification: Uncertain significance for Hyper-Immunoglobulin E Syndrome, Autosomal Recessive. Last evaluated: 2019-04-24. Review status: criteria provided, single submitter. Criteria: Invitae Variant Classification Sherloc (09022015). Collection method: clinical testing. Allele origin: germline.
Comment: This sequence change replaces alanine with valine at codon 2037 of the DOCK8 protein (p.Ala2037Val). The alanine residue is moderately conserved and there is a small physicochemical difference between alanine and valine. This variant is not present in population databases (ExAC no frequency). This variant has not been reported in the literature in individuals with DOCK8-related conditions. Algorithms developed to predict the effect of missense changes on protein structure and function output the following: SIFT: "Tolerated"; PolyPhen-2: "Benign"; Align-GVGD: "Class C0". The valine amino acid residue is found in multiple mammalian species, suggesting that this missense change does not adversely affect protein function. These predictions have not been confirmed by published functional studies and their clinical significance is uncertain. Algorithms developed to predict the effect of sequence changes on RNA splicing suggest that this variant may create or strengthen a splice site, but this prediction has not been confirmed by published transcriptional studies. In summary, the available evidence is currently insufficient to determine the role of this variant in disease. Therefore, it has been classified as a Variant of Uncertain Significance.

NM_203447.4(DOCK8):c.6110C>T (p.Ala2037Val)

Gene: DOCK8 (dedicator of cytokinesis 8; plus strand). Cytogenetic location: 9p24.3.
Variant type: single nucleotide variant.
Coding change: c.6110C>T on transcript NM_203447.4 (MANE Select); coding-DNA position 6110, C replaced by T.
Protein change: p.Ala2037Val; replaces alanine 2037 with valine.
Molecular consequence: missense variant.
Genome position (GRCh38, 1-based): chr9:463,558, C>T. VCF-style: chr9-463558-C-T. GRCh37 (hg19) VCF-style: chr9-463558-C-T.
Other names: c.5810C>T, p.Ala1937Val (NM_001190458.2); c.5906C>T, p.Ala1969Val (NM_001193536.2); short protein forms A1937V, A1969V, A2037V.
Identifiers: ClinVar variation 840751 (VCV000840751.2), dbSNP rs2057873747, ClinGen allele CA372751617.